The following is an entry in ClinVar:

NM_004168.4(SDHA):c.1908+5G>T

Gene: SDHA (succinate dehydrogenase complex flavoprotein subunit A; plus strand). Cytogenetic location: 5p15.33.
Variant type: single nucleotide variant.
Coding change: c.1908+5G>T on transcript NM_004168.4 (MANE Select); 5 bases into the intron after coding-DNA position 1908, G replaced by T.
Molecular consequence: intron variant.
Genome position (GRCh38, 1-based): chr5:254,511, G>T. VCF-style: chr5-254511-G-T. GRCh37 (hg19) VCF-style: chr5-254626-G-T.
Other names: c.1665+5G>T (NM_001330758.2); c.1764+5G>T (NM_001294332.2); c.1908+5G>T (NM_004168.3).
Identifiers: ClinVar variation 1782421 (VCV001782421.6), dbSNP rs759574062, ClinGen allele CA1072375342.

ClinVar aggregate classification (germline): Conflicting classifications of pathogenicity. Review status: criteria provided, conflicting classifications (1 of 4 stars). 3 submissions from 3 submitters: Likely pathogenic (1); Uncertain significance (2). Last evaluated 2025-11-13.

Conditions:
SDHA-related disorder. Also called: SDHA-related condition; SDHA-related disorders.
Hereditary cancer-predisposing syndrome. Also called: Neoplastic Syndromes, Hereditary; Tumor predisposition; Hereditary Cancer Syndrome; Hereditary neoplastic syndrome. Identifiers: Orphanet 140162, MedGen C0027672, MeSH D009386, MONDO:0015356.

Submissions (3):

Ambry Genetics
Classification: Likely pathogenic for Hereditary cancer-predisposing syndrome. Last evaluated: 2025-11-13. Review status: criteria provided, single submitter. Criteria: Ambry Variant Classification Scheme 2023. Collection method: clinical testing. Allele origin: germline.
Comment: The c.1908+5G>T intronic variant results from a G to T substitution 5 nucleotides after coding exon 14 in the SDHA gene. This nucleotide position is poorly conserved in available vertebrate species. In silico splice site analysis predicts that this alteration will weaken the native splice donor site. RNA studies have demonstrated that this alteration results in abnormal splicing in the set of samples tested (Ambry internal data). This variant is considered to be rare based on population cohorts in the Genome Aggregation Database (gnomAD). Based on the majority of available evidence to date, this variant is likely to be pathogenic.

GeneDx
Classification: Uncertain significance. Last evaluated: 2023-10-18. Review status: criteria provided, single submitter. Criteria: GeneDx Variant Classification Process June 2021. Collection method: clinical testing. Allele origin: germline. Affected: yes.
Comment: Intronic +5 splice site variant in a gene for which loss of function is a known mechanism of disease, and both splice predictors and evolutionary conservation support a deleterious effect, although in the absence of functional evidence the actual effect of this sequence change is unknown.; Not observed at significant frequency in large population cohorts (gnomAD); Has not been previously published as pathogenic or benign to our knowledge

PreventionGenetics, part of Exact Sciences
Classification: Uncertain significance for SDHA-related condition. Last evaluated: 2022-09-19. Review status: criteria provided, single submitter. Criteria: ACMG Guidelines, 2015. Collection method: clinical testing. Allele origin: germline.
Comment: The SDHA c.1908+5G>T variant is predicted to interfere with splicing. To our knowledge, this variant has not been reported in the literature or in a large population database, indicating this variant is rare. Although we suspect that this variant may be pathogenic, at this time, the clinical significance of this variant is uncertain due to the absence of conclusive functional and genetic evidence.